The following is an entry in ClinVar:

NM_001375567.1(FOCAD):c.1666C>T (p.Arg556Ter)

Gene: FOCAD (focadhesin; plus strand). Cytogenetic location: 9p21.3.
Variant type: single nucleotide variant.
Coding change: c.1666C>T on transcript NM_001375567.1 (MANE Select); coding-DNA position 1666, C replaced by T.
Protein change: p.Arg556Ter; replaces arginine 556 with a stop codon.
Molecular consequence: nonsense.
Genome position (GRCh38, 1-based): chr9:20,820,944, C>T. VCF-style: chr9-20820944-C-T. GRCh37 (hg19) VCF-style: chr9-20820943-C-T.
Other names: c.1561C>T, p.Arg521Ter (NM_001375568.1, NM_001375570.1); c.1666C>T, p.Arg556Ter (NM_017794.5); short protein forms R556*, R521*.
Identifiers: ClinVar variation 2982281 (VCV002982281.3), dbSNP rs773097610, ClinGen allele CA5006821.

ClinVar aggregate classification (germline): Uncertain significance (1 of 4 stars; one submission).

Allele frequency attached by ClinVar (database versions not stated): gnomAD exomes 0.00002; ExAC 0.00003; gnomAD 0.00009; TOPMed 0.00009.
gnomAD v4.1: 36 of 1,608,134 alleles (0.0022%); highest among the groups gnomAD compares: Admixed American, 0.03%; no homozygotes.

Submission:

Labcorp Genetics (formerly Invitae), Labcorp
Classification: Uncertain significance. Last evaluated: 2023-12-29. Review status: criteria provided, single submitter. Criteria: Invitae Variant Classification Sherloc (09022015). Collection method: clinical testing. Allele origin: germline.
Comment: This sequence change creates a premature translational stop signal (p.Arg556*) in the FOCAD gene. It is expected to result in an absent or disrupted protein product. However, the current clinical and genetic evidence is not sufficient to establish whether loss-of-function variants in FOCAD cause disease. This variant is present in population databases (rs773097610, gnomAD 0.02%). This variant has not been reported in the literature in individuals affected with FOCAD-related conditions. Algorithms developed to predict the effect of sequence changes on RNA splicing suggest that this variant may disrupt the consensus splice site. In summary, the available evidence is currently insufficient to determine the role of this variant in disease. Therefore, it has been classified as a Variant of Uncertain Significance.